The following is an entry in ClinVar:

ClinVar aggregate classification (germline): Uncertain significance. Review status: criteria provided, multiple submitters, no conflicts (2 of 4 stars). 3 submissions from 3 submitters: Uncertain significance (3). Last evaluated 2025-12-16.

Allele frequency attached by ClinVar (database versions not stated): gnomAD exomes 0.00001.
gnomAD v4.1: 8 of 1,614,094 alleles (0.0005%); highest among the groups gnomAD compares: Admixed American, 0.0017%; no homozygotes.

Submissions (3):

Labcorp Genetics (formerly Invitae), Labcorp
Classification: Uncertain significance. Last evaluated: 2025-12-16. Review status: criteria provided, single submitter. Criteria: Invitae Variant Classification Sherloc (09022015). Collection method: clinical testing. Allele origin: germline.
Comment: This sequence change replaces isoleucine, which is neutral and non-polar, with threonine, which is neutral and polar, at codon 300 of the TGFB1 protein (p.Ile300Thr). This variant is present in population databases (rs201635147, gnomAD 0.006%). This variant has not been reported in the literature in individuals affected with TGFB1-related conditions. ClinVar contains an entry for this variant (Variation ID: 1972017). Invitae Evidence Modeling of protein sequence and biophysical properties (such as structural, functional, and spatial information, amino acid conservation, physicochemical variation, residue mobility, and thermodynamic stability) indicates that this missense variant is expected to disrupt TGFB1 protein function with a positive predictive value of 80%. In summary, the available evidence is currently insufficient to determine the role of this variant in disease. Therefore, it has been classified as a Variant of Uncertain Significance.

GeneDx
Classification: Uncertain significance. Last evaluated: 2024-04-26. Review status: criteria provided, single submitter. Criteria: GeneDx Variant Classification Process June 2021. Collection method: clinical testing. Allele origin: germline. Affected: yes.
Comment: Not observed at significant frequency in large population cohorts (gnomAD); In silico analysis supports that this missense variant has a deleterious effect on protein structure/function; Has not been previously published as pathogenic or benign to our knowledge

Blueprint Genetics
Classification: Uncertain significance. Last evaluated: 2023-05-05. Review status: criteria provided, single submitter. Criteria: ACMG Guidelines, 2015. Collection method: clinical testing. Allele origin: germline.

NM_000660.7(TGFB1):c.899T>C (p.Ile300Thr)

Gene: TGFB1 (transforming growth factor beta 1; minus strand). Cytogenetic location: 19q13.2.
Variant type: single nucleotide variant.
Coding change: c.899T>C on transcript NM_000660.7 (MANE Select); coding-DNA position 899, T replaced by C.
Protein change: p.Ile300Thr; replaces isoleucine 300 with threonine.
Molecular consequence: missense variant.
Genome position (GRCh38, 1-based): chr19:41,332,243, A>G on the plus strand (T>C on the coding strand, the complement: TGFB1 is on the minus strand). VCF-style: chr19-41332243-A-G. GRCh37 (hg19) VCF-style: chr19-41838148-A-G.
Other names: c.899T>C (NM_000660.4); short protein forms I300T.
Identifiers: ClinVar variation 1972017 (VCV001972017.7), dbSNP rs201635147, ClinGen allele CA308562884.